The following is an entry in ClinVar:

NM_198578.4(LRRK2):c.6878T>C (p.Ile2293Thr)

Gene: LRRK2 (leucine rich repeat kinase 2; plus strand). Cytogenetic location: 12q12.
Variant type: single nucleotide variant.
Coding change: c.6878T>C on transcript NM_198578.4 (MANE Select); coding-DNA position 6878, T replaced by C.
Protein change: p.Ile2293Thr; replaces isoleucine 2293 with threonine.
Molecular consequence: missense variant.
Genome position (GRCh38, 1-based): chr12:40,359,294, T>C. VCF-style: chr12-40359294-T-C. GRCh37 (hg19) VCF-style: chr12-40753096-T-C.
Other names: short protein forms I2293T.
Identifiers: ClinVar variation 2260412 (VCV002260412.2), dbSNP rs773777920, ClinGen allele CA6514795.

ClinVar aggregate classification (germline): Uncertain significance (1 of 4 stars; one submission).

Conditions:
Inborn genetic diseases. Identifiers: MedGen C0950123, MeSH D030342.

Allele frequency attached by ClinVar (database versions not stated): gnomAD exomes below 0.00001; ExAC 0.00002.
gnomAD v4.1: 4 of 1,612,822 alleles (0.00025%); highest among the groups gnomAD compares: Non-Finnish European, 0.00034%; no homozygotes.

Submission:

Ambry Genetics
Classification: Uncertain significance for Inborn genetic diseases. Last evaluated: 2023-01-20. Review status: criteria provided, single submitter. Criteria: Ambry Variant Classification Scheme 2023. Collection method: clinical testing. Allele origin: germline.
Comment: The p.I2293T variant (also known as c.6878T>C), located in coding exon 47 of the LRRK2 gene, results from a T to C substitution at nucleotide position 6878. The isoleucine at codon 2293 is replaced by threonine, an amino acid with similar properties. This amino acid position is conserved. In addition, the in silico prediction for this alteration is inconclusive. Since supporting evidence is limited at this time, the clinical significance of this alteration remains unclear.